The following is an entry in ClinVar:

ClinVar aggregate classification (germline): Uncertain significance. Review status: criteria provided, multiple submitters, no conflicts (2 of 4 stars). 2 submissions from 2 submitters: Uncertain significance (2). Last evaluated 2025-10-29.

Conditions:
Inborn genetic diseases. Identifiers: MedGen C0950123, MeSH D030342.

Allele frequency attached by ClinVar (database versions not stated): gnomAD exomes below 0.00001; TOPMed below 0.00001.
gnomAD v4.1: 2 of 1,613,714 alleles (0.00012%); highest among the groups gnomAD compares: Non-Finnish European, 0.00017%; no homozygotes.

Submissions (2):

Ambry Genetics
Classification: Uncertain significance for Inborn genetic diseases. Last evaluated: 2025-10-29. Review status: criteria provided, single submitter. Criteria: Ambry Variant Classification Scheme 2023. Collection method: clinical testing. Allele origin: germline.
Comment: The p.V439I variant (also known as c.1315G>A), located in coding exon 1 of the SAMD9 gene, results from a G to A substitution at nucleotide position 1315. The valine at codon 439 is replaced by isoleucine, an amino acid with highly similar properties. This amino acid position is conserved. In addition, this alteration is predicted to be tolerated by in silico analysis. Based on the available evidence, the clinical significance of this variant remains unclear.

Labcorp Genetics (formerly Invitae), Labcorp
Classification: Uncertain significance. Last evaluated: 2021-10-21. Review status: criteria provided, single submitter. Criteria: Invitae Variant Classification Sherloc (09022015). Collection method: clinical testing. Allele origin: germline.
Comment: This sequence change replaces valine with isoleucine at codon 439 of the SAMD9 protein (p.Val439Ile). The valine residue is moderately conserved and there is a small physicochemical difference between valine and isoleucine. This variant is not present in population databases (ExAC no frequency). This variant has not been reported in the literature in individuals affected with SAMD9-related conditions. Algorithms developed to predict the effect of missense changes on protein structure and function output the following: SIFT: "Deleterious"; PolyPhen-2: "Benign"; Align-GVGD: "Class C0". The isoleucine amino acid residue is found in multiple mammalian species, which suggests that this missense change does not adversely affect protein function. In summary, the available evidence is currently insufficient to determine the role of this variant in disease. Therefore, it has been classified as a Variant of Uncertain Significance.

NM_017654.4(SAMD9):c.1315G>A (p.Val439Ile)

Gene: SAMD9 (sterile alpha motif domain containing 9; minus strand). Cytogenetic location: 7q21.2.
Variant type: single nucleotide variant.
Coding change: c.1315G>A on transcript NM_017654.4 (MANE Select); coding-DNA position 1315, G replaced by A.
Protein change: p.Val439Ile; replaces valine 439 with isoleucine.
Molecular consequence: missense variant.
Genome position (GRCh38, 1-based): chr7:93,104,783, C>T on the plus strand (G>A on the coding strand, the complement: SAMD9 is on the minus strand). VCF-style: chr7-93104783-C-T. GRCh37 (hg19) VCF-style: chr7-92734096-C-T.
Other names: c.1315G>A, p.Val439Ile (NM_001193307.2); c.1315G>A (NM_017654.3); short protein forms V439I.
Identifiers: ClinVar variation 1524642 (VCV001524642.5), dbSNP rs1791602116, ClinGen allele CA368197637.